The following is an entry in ClinVar:

ClinVar aggregate classification (germline): Benign/Likely benign. Review status: criteria provided, multiple submitters, no conflicts (2 of 4 stars). 3 submissions from 3 submitters: Benign (1); Likely benign (2). Last evaluated 2026-08-05.

Conditions:
Hereditary pheochromocytoma and paraganglioma. Also called: Hereditary Paraganglioma-Pheochromocytoma Syndromes; Hereditary pheochromocytoma-paraganglioma; Hereditary paragangliomas and pheochromocytomas. Identifiers: Orphanet 29072, MedGen C4274332, MONDO:0017366.
Pheochromocytoma/paraganglioma syndrome 2. Also called: GLOMUS TUMORS, FAMILIAL, 2; Paragangliomas 2; SDHAF2-Related Hereditary Paraganglioma-Pheochromocytoma Syndrome (Paragangliomas 2); SDHAF2-Related Hereditary Paraganglioma-Pheochromocytoma Syndrome. Identifiers: Orphanet 29072, MedGen C1866552, MONDO:0011121, OMIM 601650.
Hereditary cancer-predisposing syndrome. Also called: Hereditary neoplastic syndrome; Neoplastic Syndromes, Hereditary; Tumor predisposition; Hereditary Cancer Syndrome. Identifiers: Orphanet 140162, MedGen C0027672, MeSH D009386, MONDO:0015356.

Allele frequency attached by ClinVar (database versions not stated): gnomAD exomes below 0.00001.
gnomAD v4.1: 4 of 1,613,830 alleles (0.00025%); highest among the groups gnomAD compares: South Asian, 0.0011%; no homozygotes.

Submissions (3):

Myriad Genetics, Inc.
Classification: Benign for Pheochromocytoma/paraganglioma syndrome 2. Last evaluated: 2026-08-05. Review status: criteria provided, single submitter. Criteria: Myriad Autosomal Dominant, Autosomal Recessive and X-Linked Classification Criteria (2023). Collection method: clinical testing. Allele origin: unknown.
Comment: This variant is considered benign. This variant is a silent/synonymous amino acid change and it is not expected to impact splicing.

Labcorp Genetics (formerly Invitae), Labcorp
Classification: Likely benign for Hereditary pheochromocytoma and paraganglioma. Last evaluated: 2025-10-01. Review status: criteria provided, single submitter. Criteria: Invitae Variant Classification Sherloc (09022015). Collection method: clinical testing. Allele origin: germline.

Ambry Genetics
Classification: Likely benign for Hereditary cancer-predisposing syndrome. Last evaluated: 2021-05-07. Review status: criteria provided, single submitter. Criteria: Ambry Variant Classification Scheme 2023. Collection method: clinical testing. Allele origin: germline.

NM_017841.4(SDHAF2):c.285G>A (p.Gln95=)

Gene: SDHAF2 (succinate dehydrogenase complex assembly factor 2; plus strand). Cytogenetic location: 11q12.2.
Variant type: single nucleotide variant.
Coding change: c.285G>A on transcript NM_017841.4 (MANE Select); coding-DNA position 285, G replaced by A.
Protein change: p.Gln95=; no amino-acid change (glutamine 95 retained).
Molecular consequence: synonymous variant.
Genome position (GRCh38, 1-based): chr11:61,438,028, G>A. VCF-style: chr11-61438028-G-A. GRCh37 (hg19) VCF-style: chr11-61205500-G-A.
Identifiers: ClinVar variation 1796934 (VCV001796934.4), dbSNP rs1289779957, ClinGen allele CA474802858.
Genomic context (GRCh38, chr11:61,438,028, plus strand): 5'-TCAACCTCTTTTTCTTTTTTTCTTTCTTGTTTTTAGTCTTTTTGCTAAAGAACATCTGCA[G>A]CACATGACAGAAAAGCAGCTGAACCTCTATGACCGCCTGATTAACGAGCCTAGTAATGAC-3'
Protein context (NP_060311.1, residues 85-105): LLSLFAKEHL[Gln95=]HMTEKQLNLY